The following is an entry in ClinVar:

ClinVar aggregate classification (germline): Uncertain significance (1 of 4 stars; one submission).

Conditions:
Multiple congenital anomalies-hypotonia-seizures syndrome 2 (MCAHS2). Also called: EPILEPTIC ENCEPHALOPATHY, EARLY INFANTILE, 20; GLYCOSYLPHOSPHATIDYLINOSITOL BIOSYNTHESIS DEFECT 4. Identifiers: Orphanet 300496, MedGen C3275508, MONDO:0010466, OMIM 300868.

Allele frequency attached by ClinVar (database versions not stated): gnomAD exomes below 0.00001; TOPMed below 0.00001.
gnomAD v4.1: 2 of 1,209,793 alleles (0.00017%); highest among the groups gnomAD compares: East Asian, 0.0059%; no homozygotes.

Submission:

Labcorp Genetics (formerly Invitae), Labcorp
Classification: Uncertain significance for Multiple congenital anomalies-hypotonia-seizures syndrome 2. Last evaluated: 2020-11-27. Review status: criteria provided, single submitter. Criteria: Invitae Variant Classification Sherloc (09022015). Collection method: clinical testing. Allele origin: germline.
Comment: This sequence change replaces threonine with isoleucine at codon 16 of the PIGA protein (p.Thr16Ile). The threonine residue is weakly conserved and there is a moderate physicochemical difference between threonine and isoleucine. In summary, the available evidence is currently insufficient to determine the role of this variant in disease. Therefore, it has been classified as a Variant of Uncertain Significance. Algorithms developed to predict the effect of missense changes on protein structure and function output the following: SIFT: "Tolerated"; PolyPhen-2: "Benign"; Align-GVGD: "Class C0". The isoleucine amino acid residue is found in multiple mammalian species, suggesting that this missense change does not adversely affect protein function. These predictions have not been confirmed by published functional studies and their clinical significance is uncertain. This variant has not been reported in the literature in individuals with PIGA-related conditions. This variant is not present in population databases (ExAC no frequency).

NM_002641.4(PIGA):c.47C>T (p.Thr16Ile)

Gene: PIGA (phosphatidylinositol glycan anchor biosynthesis class A; minus strand). Cytogenetic location: Xp22.2.
Variant type: single nucleotide variant.
Coding change: c.47C>T on transcript NM_002641.4 (MANE Select); coding-DNA position 47, C replaced by T.
Protein change: p.Thr16Ile; replaces threonine 16 with isoleucine.
Molecular consequence: missense variant. On other transcripts: non-coding transcript variant (2), intron variant (1).
Genome position (GRCh38, 1-based): chrX:15,331,884, G>A on the plus strand (C>T on the coding strand, the complement: PIGA is on the minus strand). VCF-style: chrX-15331884-G-A. GRCh37 (hg19) VCF-style: chrX-15350006-G-A.
Other names: c.13+3617C>T (NM_020473.3); short protein forms T16I.
Identifiers: ClinVar variation 1518127 (VCV001518127.8), dbSNP rs1922176302, ClinGen allele CA412341483.